The following is an entry in ClinVar:

NM_004369.4(COL6A3):c.6422C>A (p.Pro2141His)

Gene: COL6A3 (collagen type VI alpha 3 chain; minus strand). Cytogenetic location: 2q37.3.
Variant type: single nucleotide variant.
Coding change: c.6422C>A on transcript NM_004369.4 (MANE Select); coding-DNA position 6422, C replaced by A.
Protein change: p.Pro2141His; replaces proline 2141 with histidine.
Molecular consequence: missense variant.
Genome position (GRCh38, 1-based): chr2:237,358,570, G>T on the plus strand (C>A on the coding strand, the complement: COL6A3 is on the minus strand). VCF-style: chr2-237358570-G-T. GRCh37 (hg19) VCF-style: chr2-238267213-G-T.
Other names: p.Pro2141His; c.4601C>A, p.Pro1534His (NM_057166.5); c.5804C>A, p.Pro1935His (NM_057167.4); short protein forms P2141H, P1534H, P1935H.
Identifiers: ClinVar variation 542996 (VCV000542996.18), dbSNP rs369169235, ClinGen allele CA2188290.

ClinVar aggregate classification (germline): Conflicting classifications of pathogenicity. Review status: criteria provided, conflicting classifications (1 of 4 stars). 6 submissions from 6 submitters: Likely pathogenic (1); Uncertain significance (4); Benign (1). Last evaluated 2026-02-01.

Conditions:
Bethlem myopathy 1A. Also called: MYOPATHY, BENIGN CONGENITAL, WITH CONTRACTURES; Bethlem myopathy 1; Bethlem Muscular Dystrophy. Identifiers: Orphanet 610, MedGen CN029274, MONDO:0024530, OMIM 158810.
Inborn genetic diseases. Identifiers: MedGen C0950123, MeSH D030342.

Allele frequency attached by ClinVar (database versions not stated): TOPMed 0.00006; ExAC 0.00007; ESP Exome Variant Server 0.00008; gnomAD exomes 0.00008 and 0.00013; gnomAD 0.00009 and 0.00010.
gnomAD v4.1: 203 of 1,613,614 alleles (0.013%); highest among the groups gnomAD compares: Non-Finnish European, 0.016%; no homozygotes.

Submissions (6):

Labcorp Genetics (formerly Invitae), Labcorp
Classification: Benign for Bethlem myopathy 1A. Last evaluated: 2026-02-01. Review status: criteria provided, single submitter. Criteria: Invitae Variant Classification Sherloc (09022015). Collection method: clinical testing. Allele origin: germline.

Ambry Genetics
Classification: Uncertain significance for Inborn genetic diseases. Last evaluated: 2025-11-08. Review status: criteria provided, single submitter. Criteria: Ambry Variant Classification Scheme 2023. Collection method: clinical testing. Allele origin: germline.

Mayo Clinic Laboratories, Mayo Clinic
Classification: Uncertain significance. Last evaluated: 2025-05-01. Review status: criteria provided, single submitter. Criteria: ACMG Guidelines, 2015. Collection method: clinical testing. Allele origin: germline. Observed: 1 variant allele.

Revvity Omics, Revvity
Classification: Uncertain significance. Last evaluated: 2025-02-28. Review status: criteria provided, single submitter. Criteria: ACMG Guidelines, 2015. Collection method: clinical testing. Allele origin: germline.

Blueprint Genetics
Classification: Uncertain significance. Last evaluated: 2024-06-13. Review status: criteria provided, single submitter. Criteria: ACMG Guidelines, 2015. Collection method: clinical testing. Allele origin: germline.

Laboratory of Medical Genetics, National & Kapodistrian University of Athens
Classification: Likely pathogenic for Bethlem myopathy 1A. Last evaluated: 2021-08-10. Review status: criteria provided, single submitter. Criteria: ACMG Guidelines, 2015. Collection method: clinical testing. Allele origin: maternal. Affected: yes.
Comment: PM1, PM2, PM3, PP3